The following is an entry in ClinVar:

NM_001377229.1(DISP1):c.183G>A (p.Thr61=)

Gene: DISP1 (dispatched RND transporter family member 1; plus strand). Cytogenetic location: 1q41.
Variant type: single nucleotide variant.
Coding change: c.183G>A on transcript NM_001377229.1 (MANE Select); coding-DNA position 183, G replaced by A.
Protein change: p.Thr61=; no amino-acid change (threonine 61 retained).
Molecular consequence: synonymous variant. On other transcripts: 5 prime UTR variant (1).
Genome position (GRCh38, 1-based): chr1:222,943,006, G>A. VCF-style: chr1-222943006-G-A. GRCh37 (hg19) VCF-style: chr1-223116348-G-A.
Other names: c.183G>A (NM_032890.3); c.-705G>A (NM_001350630.2); c.183G>A, p.Thr61= (NM_001369594.1, NM_001377228.1, NM_032890.5).
Identifiers: ClinVar variation 2168395 (VCV002168395.6), dbSNP rs143218453, ClinGen allele CA1408755.

ClinVar aggregate classification (germline): Likely benign. Review status: criteria provided, single submitter (1 of 4 stars). 2 submissions from 2 submitters: Likely benign (1). 1 of the submissions does not count toward it. Last evaluated 2025-08-21.

Conditions:
DISP1-related disorder. Also called: DISP1-related condition.

Allele frequency attached by ClinVar (database versions not stated): gnomAD exomes 0.00003; gnomAD 0.00005; ExAC 0.00007; TOPMed 0.00009; ESP Exome Variant Server 0.00015.
gnomAD v4.1: 46 of 1,614,000 alleles (0.0029%); highest among the groups gnomAD compares: African/African-American, 0.021%; no homozygotes.

Submissions (2):

Labcorp Genetics (formerly Invitae), Labcorp
Classification: Likely benign. Last evaluated: 2025-08-21. Review status: criteria provided, single submitter. Criteria: Invitae Variant Classification Sherloc (09022015). Collection method: clinical testing. Allele origin: germline.

PreventionGenetics, part of Exact Sciences
Classification: Likely benign for DISP1-related condition. Last evaluated: 2024-05-23. Review status: no assertion criteria provided. Collection method: clinical testing. Allele origin: germline. Not counted in ClinVar's aggregate classification.
Comment: This variant is classified as likely benign based on ACMG/AMP sequence variant interpretation guidelines (Richards et al. 2015 PMID: 25741868, with internal and published modifications).